The following is an entry in ClinVar:

ClinVar aggregate classification (germline): Pathogenic/Likely pathogenic. Review status: criteria provided, multiple submitters, no conflicts (2 of 4 stars). 4 submissions from 4 submitters: Pathogenic (1); Likely pathogenic (3). Last evaluated 2025-04-24.

Conditions:
Cardiovascular phenotype. Identifiers: MedGen CN230736.
Dilated cardiomyopathy 1G (CMD1G). Identifiers: Orphanet 154, MedGen C1858763, MONDO:0011400, OMIM 604145.
Autosomal recessive limb-girdle muscular dystrophy type 2J (LGMDR10). Also called: Limb-girdle muscular dystrophy, type 2J; MUSCULAR DYSTROPHY, LIMB-GIRDLE, AUTOSOMAL RECESSIVE 10. Identifiers: Orphanet 140922, MedGen C1837342, MONDO:0012127, OMIM 608807.
Primary dilated cardiomyopathy (DCM). Also called: Dilated Cardiomyopathy. Identifiers: Orphanet 217604, MedGen C0007193, MeSH D002311, MONDO:0005021, HP:0001644. Inheritance: Various modes of inheritance.

Submissions (4):

Labcorp Genetics (formerly Invitae), Labcorp
Classification: Likely pathogenic for Dilated cardiomyopathy 1G; Autosomal recessive limb-girdle muscular dystrophy type 2J. Last evaluated: 2025-04-24. Review status: criteria provided, single submitter. Criteria: Invitae Variant Classification Sherloc (09022015). Collection method: clinical testing. Allele origin: germline.
Comment: This sequence change creates a premature translational stop signal (p.Lys30196Argfs*94) in the TTN gene. While this is not anticipated to result in nonsense mediated decay, it is expected to create a truncated TTN protein. This variant is not present in population databases (gnomAD no frequency). This premature translational stop signal has been observed in individual(s) with TTN-related conditions (PMID: 37652022). ClinVar contains an entry for this variant (Variation ID: 47498). This variant is located in the A band of TTN (PMID: 25589632). Truncating variants in this region are significantly overrepresented in patients affected with dilated cardiomyopathy (PMID: 25589632). Truncating variants in this region have also been reported in individuals affected with autosomal recessive centronuclear myopathy (PMID: 23975875). In summary, the currently available evidence indicates that the variant is pathogenic, but additional data are needed to prove that conclusively. Therefore, this variant has been classified as Likely Pathogenic.

Ambry Genetics
Classification: Pathogenic for Cardiovascular phenotype. Last evaluated: 2023-03-18. Review status: criteria provided, single submitter. Criteria: Ambry Variant Classification Scheme 2023. Collection method: clinical testing. Allele origin: germline.
Comment: The c.63392delA pathogenic mutation, located in coding exon 162 of the TTN gene, results from a deletion of one nucleotide at nucleotide position 63392, causing a translational frameshift with a predicted alternate stop codon (p.K21131Rfs*94). This exon is located in the A-band region of the N2-B isoform of the titin protein and is constitutively expressed in TTN transcripts (percent spliced in or PSI 100%). This variant (also referred to as c.82883delA, p.Lys27628ArgfsX94) has been detected in individuals with dilated cardiomyopathy (Pugh TJ et al. Genet Med, 2014 Aug;16:601-8; Ambry internal data). This variant is considered to be rare based on population cohorts in the Genome Aggregation Database (gnomAD). This alteration is expected to result in loss of function by premature protein truncation or nonsense-mediated mRNA decay. While truncating variants in TTN are present in 1-3% of the general population, truncating variants in the A-band are the most common cause of dilated cardiomyopathy (DCM) (Herman DS et al. N. Engl. J. Med., 2012 Feb;366:619-28; Roberts AM et al. Sci Transl Med, 2015 Jan;7:270ra6). TTN truncating variants encoded in constitutive exons (PSI >90%) have been found to be significantly associated with DCM regardless of their position in titin (Schafer S et al. Nat. Genet., 2017 01;49:46-53). Based on the supporting evidence, this alteration is interpreted as a disease-causing mutation.

GeneDx
Classification: Likely pathogenic. Last evaluated: 2022-12-09. Review status: criteria provided, single submitter. Criteria: GeneDx Variant Classification Process June 2021. Collection method: clinical testing. Allele origin: germline. Affected: yes.
Comment: Frameshift variant predicted to result in protein truncation or nonsense mediated decay in a gene for which loss of function is a known mechanism of disease; Not observed at significant frequency in large population cohorts (gnomAD); Located in the A-band region of TTN in which the majority of loss of function variants have been associated with autosomal dominant titinopathies (Herman et al., 2012); Reported in a patient with DCM in published literature (Pugh et al., 2014); This variant is associated with the following publications: (PMID: 24503780)

Laboratory for Molecular Medicine, Mass General Brigham Personalized Medicine
Classification: Likely pathogenic for Primary dilated cardiomyopathy. Last evaluated: 2011-09-27. Review status: criteria provided, single submitter. Criteria: LMM Criteria. Collection method: clinical testing. Allele origin: germline. Inheritance: Autosomal dominant inheritance. Observed: 1 variant allele.
Comment: The Lys27628fs variant (TTN) gene has not been reported in the literature nor pr eviously identified by our laboratory. However, it is predicted to cause a frame shift, which alters the protein's amino acid sequence beginning at codon 27628fs and leads to a premature stop codon 94 amino acids downstream. This alteration is then predicted to lead to a truncated or absent protein. The severe impact of this variant to the TTN protein makes it likely to be pathogenic.

Literature cited by the submitters: PubMed 37652022 (cited by Labcorp Genetics (formerly Invitae), Labcorp); PubMed 25589632 (cited by Labcorp Genetics (formerly Invitae), Labcorp); PubMed 23975875 (cited by Labcorp Genetics (formerly Invitae), Labcorp); PubMed 24503780 (cited by Ambry Genetics); PubMed 27532257 (cited by Ambry Genetics); PubMed 16733766 (cited by Laboratory for Molecular Medicine, Mass General Brigham Personalized Medicine).

NM_001267550.2(TTN):c.90587del (p.Lys30196fs)

Genes: TTN-AS1 (TTN antisense RNA 1; plus strand), TTN (titin; minus strand). Cytogenetic location: 2q31.2.
Variant type: Deletion.
Coding change: c.90587del on transcript NM_001267550.2 (MANE Select); coding-DNA position 90587, one base deleted (A; older notation c.90587delA).
Protein change: p.Lys30196fs; shifts the reading frame from lysine 30196.
Molecular consequence: frameshift variant.
Genome position (GRCh38, 1-based): chr2:178,552,313, T deleted on the plus strand (A on the coding strand, the reverse complement: TTN is on the minus strand); the first of 2 consecutive T bases (chr2:178,552,313-178,552,314); deleting either gives the same sequence. VCF-style (leftmost placement, unchanged base first): chr2-178552312-CT-C. GRCh37 (hg19) VCF-style: chr2-179417039-CT-C.
Other names: c.82883delA (NM_133378.4); c.90587del (NM_001267550.1); c.85664del, p.Lys28555fs (NM_001256850.1); c.63392del, p.Lys21131fs (NM_003319.4); c.82883del, p.Lys27628fs (NM_133378.4); c.63767del, p.Lys21256fs (NM_133432.3); c.63968del, p.Lys21323fs (NM_133437.4); c.63392delA (NM_003319.4); short protein forms K30196fs, K21131fs, K27628fs, K28555fs, K21256fs, K21323fs.
Identifiers: ClinVar variation 47498 (VCV000047498.13), dbSNP rs397517749, ClinGen allele CA261915.
Genomic context (GRCh38, chr2:178,552,312, plus strand): 5'-GGGGACTGCAATTCTACACACTGCATTATCAAGAATAACAGTGTATTTTCCTCCATGCTC[CT>C]TCTTGGCATTCTTAATACTCAAAGTAATTTTGTTTTCAGTTTTACTGAAGCGAACAAATT-3'